The following is an entry in ClinVar:

ClinVar aggregate classification (germline): Uncertain significance. Review status: criteria provided, multiple submitters, no conflicts (2 of 4 stars). 2 submissions from 2 submitters: Uncertain significance (2). Last evaluated 2026-08-11.

Conditions:
Inborn genetic diseases. Identifiers: MedGen C0950123, MeSH D030342.
Fanconi anemia (FA). Also called: Fanconi's anemia. Identifiers: Orphanet 84, MedGen C0015625, MeSH D005199, MONDO:0019391.

Allele frequency attached by ClinVar (database versions not stated): gnomAD 0.00001; ExAC 0.00002; gnomAD exomes 0.00001.
gnomAD v4.1: 6 of 1,614,084 alleles (0.00037%); highest among the groups gnomAD compares: East Asian, 0.0022%; no homozygotes.

Submissions (2):

Ambry Genetics
Classification: Uncertain significance for Inborn genetic diseases. Last evaluated: 2026-08-11. Review status: criteria provided, single submitter. Criteria: Ambry Variant Classification Scheme 2023. Collection method: clinical testing. Allele origin: germline.
Comment: The p.W386C variant (also known as c.1158G>T), located in coding exon 13 of the FANCA gene, results from a G to T substitution at nucleotide position 1158. The tryptophan at codon 386 is replaced by cysteine, an amino acid with highly dissimilar properties. This amino acid position is conserved. In addition, this alteration is predicted to be deleterious by in silico analysis. Based on the available evidence, the clinical significance of this variant remains unclear.

Labcorp Genetics (formerly Invitae), Labcorp
Classification: Uncertain significance for Fanconi anemia. Last evaluated: 2021-08-24. Review status: criteria provided, single submitter. Criteria: Invitae Variant Classification Sherloc (09022015). Collection method: clinical testing. Allele origin: germline.
Comment: This sequence change replaces tryptophan with cysteine at codon 386 of the FANCA protein (p.Trp386Cys). The tryptophan residue is highly conserved and there is a large physicochemical difference between tryptophan and cysteine. This variant is present in population databases (rs752864343, ExAC 0.004%). This variant has not been reported in the literature in individuals affected with FANCA-related conditions. Advanced modeling of protein sequence and biophysical properties (such as structural, functional, and spatial information, amino acid conservation, physicochemical variation, residue mobility, and thermodynamic stability) performed at Invitae indicates that this missense variant is expected to disrupt FANCA protein function. In summary, the available evidence is currently insufficient to determine the role of this variant in disease. Therefore, it has been classified as a Variant of Uncertain Significance.

NM_000135.4(FANCA):c.1158G>T (p.Trp386Cys)

Gene: FANCA (FA complementation group A; minus strand). Cytogenetic location: 16q24.3.
Variant type: single nucleotide variant.
Coding change: c.1158G>T on transcript NM_000135.4 (MANE Select); coding-DNA position 1158, G replaced by T.
Protein change: p.Trp386Cys; replaces tryptophan 386 with cysteine.
Molecular consequence: missense variant.
Genome position (GRCh38, 1-based): chr16:89,791,994, C>A on the plus strand (G>T on the coding strand, the complement: FANCA is on the minus strand). VCF-style: chr16-89791994-C-A. GRCh37 (hg19) VCF-style: chr16-89858402-C-A.
Other names: c.1158G>T, p.Trp386Cys (NM_001286167.3); c.1158G>T (NM_000135.2); short protein forms W386C.
Identifiers: ClinVar variation 1430632 (VCV001430632.6), dbSNP rs752864343, ClinGen allele CA8252487.